The following is an entry in ClinVar:

NM_000045.4(ARG1):c.57G>A (p.Gln19=)

Gene: ARG1 (arginase 1; plus strand). Cytogenetic location: 6q23.2.
Variant type: single nucleotide variant.
Coding change: c.57G>A on transcript NM_000045.4 (MANE Select); coding-DNA position 57, G replaced by A.
Protein change: p.Gln19=; no amino-acid change (glutamine 19 retained).
Molecular consequence: synonymous variant. On other transcripts: non-coding transcript variant (1).
Genome position (GRCh38, 1-based): chr6:131,573,339, G>A. VCF-style: chr6-131573339-G-A. GRCh37 (hg19) VCF-style: chr6-131894479-G-A.
Other names: c.57G>A, p.Gln19= (NM_001244438.2, NM_001369020.1).
Identifiers: ClinVar variation 355317 (VCV000355317.16), dbSNP rs150766204, ClinGen allele CA3999122.

ClinVar aggregate classification (germline): Benign. Review status: criteria provided, multiple submitters, no conflicts (2 of 4 stars). 3 submissions from 3 submitters: Benign (3). Last evaluated 2026-01-31.

Conditions:
Arginase deficiency. Also called: Arginase 1 Deficiency; ARGININEMIA; ARG1 DEFICIENCY. Identifiers: Orphanet 90, MedGen C0268548, MONDO:0008814, OMIM 207800.

Allele frequency attached by ClinVar (database versions not stated): ESP Exome Variant Server 0.00008; gnomAD 0.00039 and 0.00072; TOPMed 0.00069; gnomAD exomes 0.00070 and 0.00128; ExAC 0.00122; 1000 Genomes Project 30x 0.00281; 1000 Genomes Project 0.00300.
gnomAD v4.1: 1,124 of 1,613,888 alleles (0.07%); highest among the groups gnomAD compares: East Asian, 2.1%; 15 homozygotes.

Submissions (9):

Labcorp Genetics (formerly Invitae), Labcorp
Classification: Benign for Arginase deficiency. Last evaluated: 2026-01-31. Review status: criteria provided, single submitter. Criteria: Invitae Variant Classification Sherloc (09022015). Collection method: clinical testing. Allele origin: germline.

GeneDx
Classification: Benign. Last evaluated: 2021-07-07. Review status: criteria provided, single submitter. Criteria: GeneDx Variant Classification Process June 2021. Collection method: clinical testing. Allele origin: germline. Affected: yes.

Illumina Laboratory Services, Illumina
Classification: Benign for Arginase deficiency. Last evaluated: 2018-01-13. Review status: criteria provided, single submitter. Criteria: ICSL Variant Classification Criteria 13 December 2019. Collection method: clinical testing. Allele origin: germline.
Comment: This variant was observed in the ICSL laboratory as part of a predisposition screen in an ostensibly healthy population. It had not been previously curated by ICSL or reported in the Human Gene Mutation Database (HGMD: prior to June 1st, 2018), and was therefore a candidate for classification through an automated scoring system. Utilizing variant allele frequency, disease prevalence and penetrance estimates, and inheritance mode, an automated score was calculated to assess if this variant is too frequent to cause the disease. Based on the score and internal cut-off values, a variant classified as benign is not then subjected to further curation. The score for this variant resulted in a classification of benign for this disease.

Dr. Peter K. Rogan Lab, Western University
No classification provided (evidence only). Condition: Gastric cancer. Review status: no classification provided. Collection method: in vitro. Allele origin: not applicable. Functional consequence: retained intron. Not counted in ClinVar's aggregate classification.

Dr. Peter K. Rogan Lab, Western University
No classification provided (evidence only). Condition: Hepatocellular carcinoma. Review status: no classification provided. Collection method: in vitro. Allele origin: not applicable. Functional consequence: retained intron. Not counted in ClinVar's aggregate classification.

Dr. Peter K. Rogan Lab, Western University
No classification provided (evidence only). Condition: Hepatocellular carcinoma. Review status: no classification provided. Collection method: in vitro. Allele origin: not applicable. Functional consequence: retained intron. Not counted in ClinVar's aggregate classification.

Dr. Peter K. Rogan Lab, Western University
No classification provided (evidence only). Condition: Hepatocellular carcinoma. Review status: no classification provided. Collection method: in vitro. Allele origin: not applicable. Functional consequence: retained intron. Not counted in ClinVar's aggregate classification.

Dr. Peter K. Rogan Lab, Western University
No classification provided (evidence only). Condition: Hepatocellular carcinoma. Review status: no classification provided. Collection method: in vitro. Allele origin: not applicable. Functional consequence: retained intron. Not counted in ClinVar's aggregate classification.

Dr. Peter K. Rogan Lab, Western University
No classification provided (evidence only). Condition: Hepatocellular carcinoma. Review status: no classification provided. Collection method: in vitro. Allele origin: not applicable. Functional consequence: retained intron. Not counted in ClinVar's aggregate classification.